The following is an entry in ClinVar:

ClinVar aggregate classification (germline): Uncertain significance (1 of 4 stars; one submission).

Conditions:
Hearing loss, autosomal dominant 37. Also called: DEAFNESS, AUTOSOMAL DOMINANT 37. Identifiers: MedGen C4760307, MONDO:0032802, OMIM 618533.

Submission:

Institute of Human Genetics, University of Goettingen
Classification: Uncertain significance for Hearing loss, autosomal dominant 37. Last evaluated: 2022-04-22. Review status: criteria provided, single submitter. Criteria: ACMG Guidelines, 2015. Collection method: clinical testing. Allele origin: unknown. Inheritance: Autosomal dominant inheritance. Observed: 1 heterozygote.
Comment: The variant c.3412G>A (p.(Gly1138Ser)) in exon 44 of the COL11A1-gene is not found in the gnomAD database, it affects a highly conserved nucleotide, a highly conserved amino acid and there is a small physicochemical difference between Gly and Ser. This variant has a pathogenic computational verdict based on 12 pathogenic predictions from BayesDel_addAF, DANN, DEOGEN2, EIGEN, FATHMM-MKL, LIST-S2, M-CAP, MVP, MutationAssessor, MutationTaster, PrimateAI and SIFT vs no benign predictions. ACMG criteria used for classification: PM2, PP3.

NM_001854.4(COL11A1):c.3412G>A (p.Gly1138Ser)

Gene: COL11A1 (collagen type XI alpha 1 chain; minus strand). Cytogenetic location: 1p21.1.
Variant type: single nucleotide variant.
Coding change: c.3412G>A on transcript NM_001854.4 (MANE Select); coding-DNA position 3412, G replaced by A.
Protein change: p.Gly1138Ser; replaces glycine 1138 with serine.
Molecular consequence: missense variant. On other transcripts: non-coding transcript variant (1).
Genome position (GRCh38, 1-based): chr1:102,939,061, C>T on the plus strand (G>A on the coding strand, the complement: COL11A1 is on the minus strand). VCF-style: chr1-102939061-C-T. GRCh37 (hg19) VCF-style: chr1-103404617-C-T.
Other names: c.3295G>A, p.Gly1099Ser (NM_001190709.2); c.3448G>A, p.Gly1150Ser (NM_080629.3); c.3064G>A, p.Gly1022Ser (NM_080630.4); short protein forms G1022S, G1099S, G1138S, G1150S.
Identifiers: ClinVar variation 1677309 (VCV001677309.3), dbSNP rs2101282529, ClinGen allele CA341169207.
Genomic context (GRCh38, chr1:102,939,061, plus strand): 5'-ATAATGTTCTCTCAGTAAGAAGTAGGAAACTCACATTTTCTCCCTTGTCACCCTTGCTGC[C>T]TTTTTGTCCCGGCTCACCAATTTCACCCTGAAATTGAAAGATTTGACTTAGAGTTTATCT-3'
Protein context (NP_001845.3, residues 1128-1148): KGEIGEPGQK[Gly1138Ser]SKGDKGENGP